The following is an entry in ClinVar:

ClinVar aggregate classification (germline): Uncertain significance. Review status: criteria provided, multiple submitters, no conflicts (2 of 4 stars). 2 submissions from 2 submitters: Uncertain significance (2). Last evaluated 2025-01-08.

Conditions:
Inborn genetic diseases. Identifiers: MedGen C0950123, MeSH D030342.

Allele frequency attached by ClinVar (database versions not stated): ExAC 0.00002; gnomAD exomes 0.00002; TOPMed 0.00003; gnomAD 0.00005; ESP Exome Variant Server 0.00008.
gnomAD v4.1: 37 of 1,613,906 alleles (0.0023%); highest among the groups gnomAD compares: Non-Finnish European, 0.0031%; no homozygotes.

Submissions (2):

Labcorp Genetics (formerly Invitae), Labcorp
Classification: Uncertain significance. Last evaluated: 2025-01-08. Review status: criteria provided, single submitter. Criteria: Invitae Variant Classification Sherloc (09022015). Collection method: clinical testing. Allele origin: germline.
Comment: This sequence change replaces alanine, which is neutral and non-polar, with valine, which is neutral and non-polar, at codon 1067 of the RP1 protein (p.Ala1067Val). This variant is present in population databases (rs377706951, gnomAD 0.006%). This variant has not been reported in the literature in individuals affected with RP1-related conditions. ClinVar contains an entry for this variant (Variation ID: 836312). An algorithm developed to predict the effect of missense changes on protein structure and function outputs the following: PolyPhen-2: "Benign". The valine amino acid residue is found in multiple mammalian species, which suggests that this missense change does not adversely affect protein function. In summary, the available evidence is currently insufficient to determine the role of this variant in disease. Therefore, it has been classified as a Variant of Uncertain Significance.

Ambry Genetics
Classification: Uncertain significance for Inborn genetic diseases. Last evaluated: 2024-12-14. Review status: criteria provided, single submitter. Criteria: Ambry Variant Classification Scheme 2023. Collection method: clinical testing. Allele origin: germline.

NM_006269.2(RP1):c.3200C>T (p.Ala1067Val)

Gene: RP1 (RP1 axonemal microtubule associated; plus strand). Cytogenetic location: 8q12.1.
Variant type: single nucleotide variant.
Coding change: c.3200C>T on transcript NM_006269.2 (MANE Select); coding-DNA position 3200, C replaced by T.
Protein change: p.Ala1067Val; replaces alanine 1067 with valine.
Molecular consequence: missense variant. On other transcripts: intron variant (1).
Genome position (GRCh38, 1-based): chr8:54,627,082, C>T. VCF-style: chr8-54627082-C-T. GRCh37 (hg19) VCF-style: chr8-55539642-C-T.
Other names: c.787+4794C>T (NM_001375654.1); short protein forms A1067V.
Identifiers: ClinVar variation 836312 (VCV000836312.10), dbSNP rs377706951, ClinGen allele CA4751658.